The following is an entry in ClinVar:

ClinVar aggregate classification (germline): Uncertain significance (1 of 4 stars; one submission).

Submission:

Labcorp Genetics (formerly Invitae), Labcorp
Classification: Uncertain significance. Last evaluated: 2022-09-27. Review status: criteria provided, single submitter. Criteria: Invitae Variant Classification Sherloc (09022015). Collection method: clinical testing. Allele origin: germline.
Comment: In summary, the available evidence is currently insufficient to determine the role of this variant in disease. Therefore, it has been classified as a Variant of Uncertain Significance. Algorithms developed to predict the effect of missense changes on protein structure and function output the following: SIFT: "Tolerated"; PolyPhen-2: "Benign"; Align-GVGD: "Class C0". The leucine amino acid residue is found in multiple mammalian species, which suggests that this missense change does not adversely affect protein function. This variant has not been reported in the literature in individuals affected with NDUFS3-related conditions. This variant is not present in population databases (gnomAD no frequency). This sequence change replaces isoleucine, which is neutral and non-polar, with leucine, which is neutral and non-polar, at codon 14 of the NDUFS3 protein (p.Ile14Leu).

NM_004551.3(NDUFS3):c.40A>C (p.Ile14Leu)

Gene: NDUFS3 (NADH:ubiquinone oxidoreductase core subunit S3; plus strand). Cytogenetic location: 11p11.2.
Variant type: single nucleotide variant.
Coding change: c.40A>C on transcript NM_004551.3 (MANE Select); coding-DNA position 40, A replaced by C.
Protein change: p.Ile14Leu; replaces isoleucine 14 with leucine.
Molecular consequence: missense variant.
Genome position (GRCh38, 1-based): chr11:47,579,131, A>C. VCF-style: chr11-47579131-A-C. GRCh37 (hg19) VCF-style: chr11-47600683-A-C.
Other names: short protein forms I14L.
Identifiers: ClinVar variation 2131553 (VCV002131553.4), dbSNP rs2097266287, ClinGen allele CA380356541.